The following is an entry in ClinVar:

NM_004366.6(CLCN2):c.1363C>A (p.Pro455Thr)

Gene: CLCN2 (chloride voltage-gated channel 2; minus strand). Cytogenetic location: 3q27.1.
Variant type: single nucleotide variant.
Coding change: c.1363C>A on transcript NM_004366.6 (MANE Select); coding-DNA position 1363, C replaced by A.
Protein change: p.Pro455Thr; replaces proline 455 with threonine.
Molecular consequence: missense variant.
Genome position (GRCh38, 1-based): chr3:184,354,937, G>T on the plus strand (C>A on the coding strand, the complement: CLCN2 is on the minus strand). VCF-style: chr3-184354937-G-T. GRCh37 (hg19) VCF-style: chr3-184072725-G-T.
Other names: c.1363C>A, p.Pro455Thr (NM_001171087.3, NM_001171089.3); c.1231C>A, p.Pro411Thr (NM_001171088.3); short protein forms P455T, P411T.
Identifiers: ClinVar variation 5006597 (VCV005006597.2).

ClinVar aggregate classification (germline): Uncertain significance (1 of 4 stars; one submission).

Conditions:
Leukoencephalopathy with mild cerebellar ataxia and white matter edema (LKPAT). Also called: CLCN2-Related Leukoencephalopathy; Leukoencephalopathy with ataxia; Leukoencephalopathy with white matter edema; Brain white matter edema. Identifiers: Orphanet 363540, MedGen C4554120, MONDO:0014292, OMIM 615651. Disease mechanism: loss of function.
Familial hyperaldosteronism type II. Also called: FH II. Identifiers: Orphanet 404, MedGen C1854107, MONDO:0011576, OMIM 605635.
Epilepsy, idiopathic generalized, susceptibility to, 11 (EIG11). Identifiers: Orphanet 307, MedGen C2750893, MONDO:0011875, OMIM 607628.

gnomAD v4.1: 1 of 1,614,054 alleles (0.000062%); highest among the groups gnomAD compares: East Asian, 0.0022%; no homozygotes.

Submission:

Juno Genomics, Hangzhou Juno Genomics, Inc
Classification: Uncertain significance for Epilepsy, idiopathic generalized, susceptibility to, 11; Familial hyperaldosteronism type II; Leukoencephalopathy with mild cerebellar ataxia and white matter edema. Review status: criteria provided, single submitter. Criteria: ACMG Guidelines, 2015. Collection method: clinical testing. Allele origin: germline.
Comment: Absent from controls (or at extremely low frequency if recessive) in Genome Aggregation Database.;Multiple lines of computational evidence support a deleterious effect on the gene or gene product.